The following is an entry in ClinVar:

ClinVar aggregate classification (germline): Uncertain significance (1 of 4 stars; one submission).

Conditions:
Hereditary cancer-predisposing syndrome. Also called: Neoplastic Syndromes, Hereditary; Tumor predisposition; Hereditary neoplastic syndrome; Hereditary Cancer Syndrome. Identifiers: Orphanet 140162, MedGen C0027672, MeSH D009386, MONDO:0015356.

Submission:

Ambry Genetics
Classification: Uncertain significance for Hereditary cancer-predisposing syndrome. Last evaluated: 2024-02-26. Review status: criteria provided, single submitter. Criteria: Ambry Variant Classification Scheme 2023. Collection method: clinical testing. Allele origin: germline.
Comment: The c.440_442delCTT variant (also known as p.S147del) is located in coding exon 3 of the TMEM127 gene. This variant results from an in-frame CTT deletion at nucleotide positions 440 to 442. This results in the in-frame deletion of a serine at codon 147. This amino acid position is not well conserved in available vertebrate species. In addition, the in silico prediction for this alteration is inconclusive (Choi Y et al. PLoS ONE. 2012; 7(10):e46688). Based on the available evidence, the clinical significance of this alteration remains unclear.

NM_017849.4(TMEM127):c.440_442del (p.Ser147del)

Gene: TMEM127 (transmembrane protein 127; minus strand). Cytogenetic location: 2q11.2.
Variant type: Deletion.
Coding change: c.440_442del on transcript NM_017849.4 (MANE Select); coding-DNA positions 440 to 442, 3 bases deleted (CTT; older notation c.440_442delCTT).
Protein change: p.Ser147del; deletes serine 147.
Molecular consequence: inframe deletion. On other transcripts: inframe indel (1).
Genome position (GRCh38, 1-based): chr2:96,254,083-96,254,085, AAG deleted on the plus strand (CTT on the coding strand, the reverse complement: TMEM127 is on the minus strand); deleting any 3 consecutive bases within chr2:96,254,083-96,254,087 gives the same sequence; the c. name uses the placement nearest the transcript's 3' end. VCF-style (leftmost placement, unchanged base first): chr2-96254082-TAAG-T. GRCh37 (hg19) VCF-style: chr2-96919820-TAAG-T.
Other names: c.440_442del, p.Ser147del (NM_001193304.3); c.188_190del, p.Ser63del (NM_001407282.1, NM_001407283.1); c.440_442delCTT (NM_017849.3); short protein forms S147del, S63del.
Identifiers: ClinVar variation 3227078 (VCV003227078.1), dbSNP rs2467264296, ClinGen allele CA2586964990.